The following is an entry in ClinVar:

NM_032043.3(BRIP1):c.1479T>C (p.His493=)

Gene: BRIP1 (BRCA1 interacting DNA helicase 1; minus strand). Cytogenetic location: 17q23.2.
Variant type: single nucleotide variant.
Coding change: c.1479T>C on transcript NM_032043.3 (MANE Select); coding-DNA position 1479, T replaced by C.
Protein change: p.His493=; no amino-acid change (histidine 493 retained).
Molecular consequence: synonymous variant.
Genome position (GRCh38, 1-based): chr17:61,784,419, A>G on the plus strand (T>C on the coding strand, the complement: BRIP1 is on the minus strand). VCF-style: chr17-61784419-A-G. GRCh37 (hg19) VCF-style: chr17-59861780-A-G.
Identifiers: ClinVar variation 925697 (VCV000925697.15), dbSNP rs2077672800, ClinGen allele CA501150891.

ClinVar aggregate classification (germline): Benign/Likely benign. Review status: criteria provided, multiple submitters, no conflicts (2 of 4 stars). 4 submissions from 4 submitters: Benign (1); Likely benign (3). Last evaluated 2026-01-21.

Conditions:
Hereditary cancer-predisposing syndrome. Also called: Hereditary Cancer Syndrome; Hereditary neoplastic syndrome; Neoplastic Syndromes, Hereditary; Tumor predisposition. Identifiers: Orphanet 140162, MedGen C0027672, MeSH D009386, MONDO:0015356.
Familial cancer of breast. Also called: hereditary breast carcinoma; BREAST CANCER, FAMILIAL; Hereditary breast cancer. Identifiers: Orphanet 227535, MedGen C0346153, MONDO:0016419, OMIM 114480. Disease mechanism: loss of function.
Fanconi anemia complementation group J. Also called: BRIP1-Related Fanconi Anemia. Identifiers: Orphanet 84, MedGen C1836860, MONDO:0012187, OMIM 609054.

Submissions (4):

Labcorp Genetics (formerly Invitae), Labcorp
Classification: Likely benign for Familial cancer of breast; Fanconi anemia complementation group J. Last evaluated: 2026-01-21. Review status: criteria provided, single submitter. Criteria: Invitae Variant Classification Sherloc (09022015). Collection method: clinical testing. Allele origin: germline.

Myriad Genetics, Inc.
Classification: Benign for Familial cancer of breast. Last evaluated: 2024-08-28. Review status: criteria provided, single submitter. Criteria: Myriad Autosomal Dominant, Autosomal Recessive and X-Linked Classification Criteria (2023). Collection method: clinical testing. Allele origin: unknown.
Comment: This variant is considered benign. This variant is a silent/synonymous amino acid change and it is not expected to impact splicing.

Ambry Genetics
Classification: Likely benign for Hereditary cancer-predisposing syndrome. Last evaluated: 2020-08-07. Review status: criteria provided, single submitter. Criteria: Ambry Variant Classification Scheme 2023. Collection method: clinical testing. Allele origin: germline.

Color Diagnostics, LLC DBA Color Health
Classification: Likely benign for Hereditary cancer-predisposing syndrome. Last evaluated: 2019-09-09. Review status: criteria provided, single submitter. Criteria: ACMG Guidelines, 2015. Collection method: clinical testing. Allele origin: germline.